The following is an entry in ClinVar:

ClinVar aggregate classification (germline): Conflicting classifications of pathogenicity. Review status: criteria provided, conflicting classifications (1 of 4 stars). 6 submissions from 4 submitters: Uncertain significance (5); Likely benign (1). Last evaluated 2025-06-27.

Conditions:
Charcot-Marie-Tooth disease axonal type 2X. Also called: CHARCOT-MARIE-TOOTH DISEASE, AXONAL, AUTOSOMAL RECESSIVE, TYPE 2X; CHARCOT-MARIE-TOOTH NEUROPATHY, TYPE 2X. Identifiers: Orphanet 466775, MedGen C5569024, MONDO:0014726, OMIM 616668.
Amyotrophic lateral sclerosis type 5 (ALS5). Also called: AMYOTROPHIC LATERAL SCLEROSIS 5, JUVENILE. Identifiers: Orphanet 300605, MedGen C1865864, MONDO:0011196, OMIM 602099.
Hereditary spastic paraplegia 11. Also called: Spastic Paraplegia 11; Spastic paraplegia, mental retardation and thin corpus callosum; SPASTIC PARAPLEGIA, AUTOSOMAL RECESSIVE, COMPLICATED, WITH THIN CORPUS CALLOSUM; SPASTIC PARAPLEGIA, AUTOSOMAL RECESSIVE, WITH MENTAL IMPAIRMENT AND THIN CORPUS CALLOSUM; Nakamura Osame syndrome; Autosomal recessive hereditary spastic paraplegia, mental impairment, and thin corpus callosum. Identifiers: Orphanet 2822, MedGen C1858479, MONDO:0011445, OMIM 604360.

Allele frequency attached by ClinVar (database versions not stated): gnomAD 0.00001; gnomAD exomes 0.00005 and 0.00012; TOPMed 0.00006; ExAC 0.00016.
gnomAD v4.1: 33 of 1,613,980 alleles (0.002%); highest among the groups gnomAD compares: Admixed American, 0.052%; no homozygotes.

Submissions (6):

GeneDx
Classification: Uncertain significance. Last evaluated: 2025-06-27. Review status: criteria provided, single submitter. Criteria: GeneDx Variant Classification Process June 2021. Collection method: clinical testing. Allele origin: germline. Affected: yes.
Comment: In silico analysis supports that this missense variant has a deleterious effect on protein structure/function; Has not been previously published as pathogenic or benign to our knowledge

Labcorp Genetics (formerly Invitae), Labcorp
Classification: Likely benign for Hereditary spastic paraplegia 11. Last evaluated: 2025-05-11. Review status: criteria provided, single submitter. Criteria: Invitae Variant Classification Sherloc (09022015). Collection method: clinical testing. Allele origin: germline.

Athena Diagnostics
Classification: Uncertain significance. Last evaluated: 2017-03-09. Review status: criteria provided, single submitter. Criteria: Athena Diagnostics Criteria. Collection method: clinical testing. Allele origin: germline.

Genome-Nilou Lab
Classification: Uncertain significance for Amyotrophic lateral sclerosis type 5. Review status: criteria provided, single submitter. Criteria: ACMG Guidelines, 2015. Collection method: clinical testing. Allele origin: germline.

Genome-Nilou Lab
Classification: Uncertain significance for Charcot-Marie-Tooth disease axonal type 2X. Review status: criteria provided, single submitter. Criteria: ACMG Guidelines, 2015. Collection method: clinical testing. Allele origin: germline.

Genome-Nilou Lab
Classification: Uncertain significance for Hereditary spastic paraplegia 11. Review status: criteria provided, single submitter. Criteria: ACMG Guidelines, 2015. Collection method: clinical testing. Allele origin: germline.

NM_025137.4(SPG11):c.1763A>G (p.Asp588Gly)

Gene: SPG11 (SPG11 vesicle trafficking associated, spatacsin; minus strand). Cytogenetic location: 15q21.1.
Variant type: single nucleotide variant.
Coding change: c.1763A>G on transcript NM_025137.4 (MANE Select); coding-DNA position 1763, A replaced by G.
Protein change: p.Asp588Gly; replaces aspartic acid 588 with glycine.
Molecular consequence: missense variant.
Genome position (GRCh38, 1-based): chr15:44,629,361, T>C on the plus strand (A>G on the coding strand, the complement: SPG11 is on the minus strand). VCF-style: chr15-44629361-T-C. GRCh37 (hg19) VCF-style: chr15-44921559-T-C.
Other names: c.1763A>G, p.Asp588Gly (NM_001160227.2); short protein forms D588G.
Identifiers: ClinVar variation 448461 (VCV000448461.12), dbSNP rs763060505, ClinGen allele CA7535442.